The following is an entry in ClinVar:

NM_004959.5(NR5A1):c.259C>T (p.Arg87Cys)

Gene: NR5A1 (nuclear receptor subfamily 5 group A member 1; minus strand). Cytogenetic location: 9q33.3.
Variant type: single nucleotide variant.
Coding change: c.259C>T on transcript NM_004959.5 (MANE Select); coding-DNA position 259, C replaced by T.
Protein change: p.Arg87Cys; replaces arginine 87 with cysteine.
Molecular consequence: missense variant.
Genome position (GRCh38, 1-based): chr9:124,500,701, G>A on the plus strand (C>T on the coding strand, the complement: NR5A1 is on the minus strand). VCF-style: chr9-124500701-G-A. GRCh37 (hg19) VCF-style: chr9-127262980-G-A.
Other names: c.259C>T (NM_004959.4); short protein forms R87C.
Identifiers: ClinVar variation 1687572 (VCV001687572.6), dbSNP rs866712684, ClinGen allele CA199729238.

ClinVar aggregate classification (germline): Pathogenic. Review status: criteria provided, multiple submitters, no conflicts (2 of 4 stars). 4 submissions from 4 submitters: Pathogenic (3). 1 of the submissions does not count toward it. Last evaluated 2023-08-07.

Conditions:
46,XY sex reversal 3. Also called: 46,XY SEX REVERSAL, PARTIAL OR COMPLETE, NR5A1-RELATED; 46,XY GONADAL DYSGENESIS, PARTIAL OR COMPLETE, WITH OR WITHOUT ADRENAL FAILURE; DISORDER OF SEX DEVELOPMENT, 46,XY, NR5A1-RELATED; NR5A1-related 46,XY complete gonadal dysgenesis; SEX REVERSAL, XY, WITH OR WITHOUT ADRENAL FAILURE. Identifiers: MedGen C3489793, MONDO:0013066, OMIM 612965.
Oligosynaptic infertility (SPGF1). Also called: SPERMATOGENIC FAILURE 1; OLIGOCHIASMATIC INFERTILITY. Identifiers: MedGen C0403810, MONDO:0009776, OMIM 258150.
46 XY differences of sex development. Also called: 46, XY disorder of sex development (DSD); 46,XY disorder of sex development. Identifiers: Orphanet 98085, MedGen C2751824, MONDO:0020040.
NR5A1-related disorder. Also called: NR5A1-related condition.

Submissions (4):

Labcorp Genetics (formerly Invitae), Labcorp
Classification: Pathogenic for 46 XY differences of sex development; Oligosynaptic infertility. Last evaluated: 2023-08-07. Review status: criteria provided, single submitter. Criteria: Invitae Variant Classification Sherloc (09022015). Collection method: clinical testing. Allele origin: germline.
Comment: This sequence change replaces arginine, which is basic and polar, with cysteine, which is neutral and slightly polar, at codon 87 of the NR5A1 protein (p.Arg87Cys). This variant is not present in population databases (gnomAD no frequency). This missense change has been observed in individual(s) with disorders of sex development (PMID: 30425642). In at least one individual the variant was observed to be de novo. ClinVar contains an entry for this variant (Variation ID: 1687572). Advanced modeling of protein sequence and biophysical properties (such as structural, functional, and spatial information, amino acid conservation, physicochemical variation, residue mobility, and thermodynamic stability) performed at Invitae indicates that this missense variant is expected to disrupt NR5A1 protein function. For these reasons, this variant has been classified as Pathogenic.

Victorian Clinical Genetics Services, Murdoch Childrens Research Institute
Classification: Pathogenic for 46,XY sex reversal 3. Last evaluated: 2023-07-17. Review status: criteria provided, single submitter. Criteria: ACMG Guidelines, 2015. Collection method: clinical testing. Allele origin: germline. Inheritance: Autosomal dominant inheritance. Affected: yes.
Comment: Based on the classification scheme VCGS_Germline_v1.3.4, this variant is classified as Pathogenic. Following criteria are met: 0102 - Loss of function is a known mechanism of disease in this gene and is associated with NR5A1-related differences of sex development (OMIM). (I) 0107 - This gene is associated with autosomal dominant disease. (I) 0112 - The condition associated with this gene has incomplete penetrance. Unaffected carriers have been reported in a number of families (PMID: 31513305). (I) 0115 - Variants in this gene are known to have variable expressivity. Intrafamilial variability has been reported (PMID: 31513305). (I) 0200 - Variant is predicted to result in a missense amino acid change from arginine to cysteine. (I) 0251 - This variant is heterozygous. (I) 0301 - Variant is absent from gnomAD (both v2 and v3). (SP) 0309 - An alternative amino acid change at the same position has been observed in gnomAD (v2) (3 heterozygotes, 0 homozygotes). (I) 0501 - Missense variant consistently predicted to be damaging by multiple in silico tools or highly conserved with a major amino acid change. (SP) 0600 - Variant is located in the annotated DNA binding domain (PMID: 30425642). (I) 0705 - No comparable missense variants have previous evidence for pathogenicity. (I) 0801 - This variant has strong previous evidence of pathogenicity in unrelated individuals. This variant has been observed as de novo in three unrelated individuals with NR5A1-related disorders (PMID: 30425642). This variant has also been classified as pathogenic by a clinical laboratory in ClinVar who observed it in an individual with 46,XY sex reversal 3. (SP) 0905 - No published segregation evidence has been identified for this variant. (I) 1007 - No published functional evidence has been identified for this variant. (I) 1208 - Inheritance information for this variant is not currently available in this individual. (I) Legend: (SP) - Supporting pathogenic, (I) - Information, (SB) - Supporting benign

3billion
Classification: Pathogenic for 46,XY sex reversal 3. Last evaluated: 2022-05-22. Review status: criteria provided, single submitter. Criteria: ACMG Guidelines, 2015. Collection method: clinical testing. Allele origin: germline. Affected: yes. Observed: 1 heterozygote.
Comment: The variant is not observed in the gnomAD v2.1.1 dataset. Missense changes are a common disease-causing mechanism. In silico tool predictions suggest damaging effect of the variant on gene or gene product (REVEL: 0.86; 3Cnet: 0.75). Same nucleotide change resulting in same amino acid change has been previously reported to be associated with NR5A1 related disorder (PMID: 30425642). The variant has been previously reported as de novo in at least two similarly affected unrelated individuals (PMID: 30425642). Therefore, this variant is classified as pathogenic according to the recommendation of ACMG/AMP guideline.

PreventionGenetics, part of Exact Sciences
Classification: Likely pathogenic for NR5A1-related condition. Last evaluated: 2024-07-25. Review status: no assertion criteria provided. Collection method: clinical testing. Allele origin: germline. Not counted in ClinVar's aggregate classification.
Comment: The NR5A1 c.259C>T variant is predicted to result in the amino acid substitution p.Arg87Cys. This variant has been reported as de novo in three unrelated individuals with 46,XY disorder of sex development (Song et al. 2018. PubMed ID: 30425642). This variant has not been reported in a large population database, indicating this variant is rare. This variant is interpreted as likely pathogenic.

Literature cited by the submitters: PubMed 30425642 (cited by 3 submitters); PubMed 31513305 (cited by Victorian Clinical Genetics Services, Murdoch Childrens Research Institute).